The following is an entry in ClinVar:

ClinVar aggregate classification (germline): Likely pathogenic (1 of 4 stars; one submission).

Conditions:
Trichohepatoenteric syndrome 1 (THES1). Also called: DIARRHEA, FATAL INFANTILE, WITH TRICHORRHEXIS NODOSA. Identifiers: Orphanet 84064, MedGen C4551982, MONDO:0024541, OMIM 222470.

Submission:

Neuberg Centre For Genomic Medicine, NCGM
Classification: Likely pathogenic for Trichohepatoenteric syndrome 1. Review status: criteria provided, single submitter. Criteria: ACMG Guidelines, 2015. Collection method: clinical testing. Allele origin: germline. Inheritance: Autosomal recessive inheritance. Affected: yes.
Comment: The stop gain c.3301C>T (p.Gln1101Ter) variant in TTC37 gene has not been reported previously as a pathogenic variant nor as a benign variant, to our knowledge. The p.Gln1101Ter variant is novel (not in any individuals) in gnomAD Exomes and 1000 Genomes. This variant has not been reported to the ClinVar database. The nucleotide change c.3301C>T in TTC37 is predicted as conserved by GERP++ and PhyloP across 100 vertebrates. This variant is predicted to cause loss of normal protein function through protein truncation. Loss of function variants have been previously reported to be disease causing. For these reasons, this variant has been classified as Likely Pathogenic.

NM_014639.4(SKIC3):c.3301C>T (p.Gln1101Ter)

Gene: SKIC3 (SKI3 subunit of superkiller complex; minus strand). Cytogenetic location: 5q15.
Variant type: single nucleotide variant.
Coding change: c.3301C>T on transcript NM_014639.4 (MANE Select); coding-DNA position 3301, C replaced by T.
Protein change: p.Gln1101Ter; replaces glutamine 1101 with a stop codon.
Molecular consequence: nonsense.
Genome position (GRCh38, 1-based): chr5:95,502,920, G>A on the plus strand (C>T on the coding strand, the complement: SKIC3 is on the minus strand). VCF-style: chr5-95502920-G-A. GRCh37 (hg19) VCF-style: chr5-94838624-G-A.
Other names: short protein forms Q1101*.
Identifiers: ClinVar variation 2664221 (VCV002664221.1), dbSNP rs2530727382, ClinGen allele CA360452087.